The following is an entry in ClinVar:

ClinVar aggregate classification (germline): Uncertain significance (1 of 4 stars; one submission).

Allele frequency attached by ClinVar (database versions not stated): gnomAD exomes below 0.00001.
gnomAD v4.1: 1 of 1,614,034 alleles (0.000062%); highest among the groups gnomAD compares: South Asian, 0.0011%; no homozygotes.

Submission:

Labcorp Genetics (formerly Invitae), Labcorp
Classification: Uncertain significance. Last evaluated: 2022-06-10. Review status: criteria provided, single submitter. Criteria: Invitae Variant Classification Sherloc (09022015). Collection method: clinical testing. Allele origin: germline.
Comment: This variant is present in population databases (no rsID available, gnomAD 0.003%). This sequence change replaces threonine, which is neutral and polar, with alanine, which is neutral and non-polar, at codon 244 of the IKZF1 protein (p.Thr244Ala). This variant has not been reported in the literature in individuals affected with IKZF1-related conditions. In summary, the available evidence is currently insufficient to determine the role of this variant in disease. Therefore, it has been classified as a Variant of Uncertain Significance. Algorithms developed to predict the effect of missense changes on protein structure and function output the following: SIFT: "Not Available"; PolyPhen-2: "Benign"; Align-GVGD: "Not Available". The alanine amino acid residue is found in multiple mammalian species, which suggests that this missense change does not adversely affect protein function.

NM_006060.6(IKZF1):c.730A>G (p.Thr244Ala)

Gene: IKZF1 (IKAROS family zinc finger 1; plus strand). Cytogenetic location: 7p12.2.
Variant type: single nucleotide variant.
Coding change: c.730A>G on transcript NM_006060.6 (MANE Select); coding-DNA position 730, A replaced by G.
Protein change: p.Thr244Ala; replaces threonine 244 with alanine.
Molecular consequence: missense variant. On other transcripts: intron variant (3).
Genome position (GRCh38, 1-based): chr7:50,391,743, A>G. VCF-style: chr7-50391743-A-G. GRCh37 (hg19) VCF-style: chr7-50459441-A-G.
Other names: c.604A>G, p.Thr202Ala (NM_001220765.3, NM_001291837.2); c.469A>G, p.Thr157Ala (NM_001220767.2, NM_001291838.2); c.343A>G, p.Thr115Ala (NM_001220770.2, NM_001291839.2); c.301A>G, p.Thr101Ala (NM_001291841.1, NM_001291842.1); c.175A>G, p.Thr59Ala (NM_001291843.1, NM_001291844.1); c.790A>G, p.Thr264Ala (NM_001410879.1); c.590-8175A>G (NM_001220768.2); c.422-8175A>G (NM_001220771.2); and 1 more; short protein forms T101A, T115A, T244A, T202A, T157A, T264A, T59A.
Identifiers: ClinVar variation 2128916 (VCV002128916.4), dbSNP rs775802772, ClinGen allele CA367534997.